The following is an entry in ClinVar:

NM_001111125.3(IQSEC2):c.1640C>T (p.Ala547Val)

Gene: IQSEC2 (IQ motif and Sec7 domain ArfGEF 2; minus strand). Cytogenetic location: Xp11.22.
Variant type: single nucleotide variant.
Coding change: c.1640C>T on transcript NM_001111125.3 (MANE Select); coding-DNA position 1640, C replaced by T.
Protein change: p.Ala547Val; replaces alanine 547 with valine.
Molecular consequence: missense variant.
Genome position (GRCh38, 1-based): chrX:53,250,936, G>A on the plus strand (C>T on the coding strand, the complement: IQSEC2 is on the minus strand). VCF-style: chrX-53250936-G-A. GRCh37 (hg19) VCF-style: chrX-53280118-G-A.
Other names: c.1640C>T, p.Ala547Val (NM_001410736.1); c.1025C>T, p.Ala342Val (NM_015075.2); short protein forms A342V, A547V.
Identifiers: ClinVar variation 3376174 (VCV003376174.1).

ClinVar aggregate classification (germline): Uncertain significance (1 of 4 stars; one submission).

Conditions:
Intellectual developmental disorder, X-linked 1. Also called: Atkin Flaitz Patil Smith syndrome; Intellectual disability, X-linked 1; MENTAL RETARDATION, X-LINKED 18; MENTAL RETARDATION, X-LINKED 78. Identifiers: Orphanet 777, MedGen C2931498, MONDO:0010656, OMIM 309530.

gnomAD v4.1: 3 of 1,210,341 alleles (0.00025%); highest among the groups gnomAD compares: Non-Finnish European, 0.00022%; no homozygotes.

Submission:

Pittsburgh Clinical Genomics Laboratory, University of Pittsburgh Medical Center
Classification: Uncertain significance for Intellectual developmental disorder, X-linked 1. Last evaluated: 2023-03-07. Review status: criteria provided, single submitter. Criteria: ACMG Guidelines, 2015. Collection method: clinical testing. Allele origin: germline. Inheritance: X-linked dominant inheritance. Affected: yes.
Comment: This sequence variant is a single nucleotide substitution (C>T) at coding position 1640 of the IQSEC2 gene which results in an alanine to valine amino acid change at residue 547 in the IQSEC2 protein. This variant has not been reported previously in individuals with IQSEC2-related disease, to our knowledge. This variant is present in 1/176409 alleles (0.006%) in the gnomAD population database. Multiple bioinformatic tools predict that this protein change is likely to be tolerated, though alanine is highly conserved at this protein position in mammals. Functiol studies testing the effects of this variant have not been performed, to our knowledge. At this time, there is insufficient evidence to determine if this variant is pathogenic or benign. Therefore, we consider it to be a variant of uncertain significance. ACMG Criteria: BP4, PM2